The following is an entry in ClinVar:

NM_015267.4(CUX2):c.2573C>A (p.Thr858Lys)

Gene: CUX2 (cut like homeobox 2; plus strand). Cytogenetic location: 12q24.12.
Variant type: single nucleotide variant.
Coding change: c.2573C>A on transcript NM_015267.4 (MANE Select); coding-DNA position 2573, C replaced by A.
Protein change: p.Thr858Lys; replaces threonine 858 with lysine.
Molecular consequence: missense variant.
Genome position (GRCh38, 1-based): chr12:111,320,582, C>A. VCF-style: chr12-111320582-C-A. GRCh37 (hg19) VCF-style: chr12-111758386-C-A.
Other names: c.2387C>A, p.Thr796Lys (NM_001370598.1); short protein forms T796K, T858K.
Identifiers: ClinVar variation 4882745 (VCV004882745.2).

ClinVar aggregate classification (germline): Uncertain significance (1 of 4 stars; one submission).

Conditions:
Developmental and epileptic encephalopathy, 67. Also called: EPILEPTIC ENCEPHALOPATHY, EARLY INFANTILE, 67. Identifiers: MedGen C4748341, MONDO:0029138, OMIM 618141.

gnomAD v4.1: 1 of 1,528,770 alleles (0.000065%); no homozygotes.

Submission:

Dasa
Classification: Uncertain significance for Developmental and epileptic encephalopathy, 67. Last evaluated: 2026-02-18. Review status: criteria provided, single submitter. Criteria: DASA Assertion Criteria. Collection method: clinical testing. Allele origin: germline.
Comment: NM_015267.4(CUX2):c.2573C>A (p.Thr858Lys) is a missense variant that results in the substitution of threonine with lysine. This variant is rare in population databases. Computational prediction algorithms are consistent with a benign effect. The currently available literature and clinical evidence are not sufficient to establish a definitive association between this variant and the reported condition. Therefore, this variant is classified as a variant of uncertain significance.